The following is an entry in ClinVar:

NM_003091.4(SNRPB):c.181A>G (p.Arg61Gly)

Gene: SNRPB (small nuclear ribonucleoprotein polypeptides B and B1; minus strand). Cytogenetic location: 20p13.
Variant type: single nucleotide variant.
Coding change: c.181A>G on transcript NM_003091.4 (MANE Select); coding-DNA position 181, A replaced by G.
Protein change: p.Arg61Gly; replaces arginine 61 with glycine.
Molecular consequence: missense variant.
Genome position (GRCh38, 1-based): chr20:2,465,794, T>C on the plus strand (A>G on the coding strand, the complement: SNRPB is on the minus strand). VCF-style: chr20-2465794-T-C. GRCh37 (hg19) VCF-style: chr20-2446440-T-C.
Other names: c.181A>G, p.Arg61Gly (NM_198216.2); short protein forms R61G.
Identifiers: ClinVar variation 4695561 (VCV004695561.1).

ClinVar aggregate classification (germline): Uncertain significance (1 of 4 stars; one submission).

Submission:

Labcorp Genetics (formerly Invitae), Labcorp
Classification: Uncertain significance. Last evaluated: 2025-11-24. Review status: criteria provided, single submitter. Criteria: Invitae Variant Classification Sherloc (09022015). Collection method: clinical testing. Allele origin: germline.
Comment: This sequence change replaces arginine, which is basic and polar, with glycine, which is neutral and non-polar, at codon 61 of the SNRPB protein (p.Arg61Gly). This variant is not present in population databases (gnomAD no frequency). This variant has not been reported in the literature in individuals affected with SNRPB-related conditions. An algorithm developed to predict the effect of missense changes on protein structure and function (PolyPhen-2) suggests that this variant is likely to be tolerated. In summary, the available evidence is currently insufficient to determine the role of this variant in disease. Therefore, it has been classified as a Variant of Uncertain Significance.